The following is an entry in ClinVar:

ClinVar aggregate classification (germline): Pathogenic. Review status: criteria provided, multiple submitters, no conflicts (2 of 4 stars). 2 submissions from 2 submitters: Pathogenic (2). Last evaluated 2025-07-29.

Conditions:
Hereditary cancer-predisposing syndrome. Also called: Neoplastic Syndromes, Hereditary; Tumor predisposition; Hereditary Cancer Syndrome; Hereditary neoplastic syndrome. Identifiers: Orphanet 140162, MedGen C0027672, MeSH D009386, MONDO:0015356.
Hereditary breast ovarian cancer syndrome. Also called: Hereditary breast and ovarian cancer; Hereditary breast and ovarian cancer syndrome (HBOC); BRCA1- and BRCA2-Associated Hereditary Breast and Ovarian Cancer; Breast and ovarian cancer; Hereditary breast and/or ovarian cancer syndrome; Hereditary breast and ovarian cancer syndrome. Identifiers: Orphanet 145, MedGen C0677776, MeSH D061325, MONDO:0003582. Disease mechanism: loss of function.

Submissions (2):

Labcorp Genetics (formerly Invitae), Labcorp
Classification: Pathogenic for Hereditary breast ovarian cancer syndrome. Last evaluated: 2025-07-29. Review status: criteria provided, single submitter. Criteria: Invitae Variant Classification Sherloc (09022015). Collection method: clinical testing. Allele origin: germline.
Comment: This sequence change creates a premature translational stop signal (p.Pro2802Leufs*19) in the BRCA2 gene. It is expected to result in an absent or disrupted protein product. Loss-of-function variants in BRCA2 are known to be pathogenic (PMID: 20104584). This variant is not present in population databases (gnomAD no frequency). This variant has not been reported in the literature in individuals affected with BRCA2-related conditions. ClinVar contains an entry for this variant (Variation ID: 1763261). For these reasons, this variant has been classified as Pathogenic.

Ambry Genetics
Classification: Pathogenic for Hereditary cancer-predisposing syndrome. Last evaluated: 2020-08-24. Review status: criteria provided, single submitter. Criteria: Ambry Variant Classification Scheme 2023. Collection method: clinical testing. Allele origin: germline.
Comment: The c.8405delC pathogenic mutation, located in coding exon 18 of the BRCA2 gene, results from a deletion of one nucleotide at nucleotide position 8405, causing a translational frameshift with a predicted alternate stop codon (p.P2802Lfs*19). This alteration is expected to result in loss of function by premature protein truncation or nonsense-mediated mRNA decay. As such, this alteration is interpreted as a disease-causing mutation.

Literature cited by the submitters: PubMed 20104584 (cited by Labcorp Genetics (formerly Invitae), Labcorp).

NM_000059.4(BRCA2):c.8405del (p.Pro2802fs)

Gene: BRCA2 (BRCA2 DNA repair associated; plus strand). Cytogenetic location: 13q13.1.
Variant type: Deletion.
Coding change: c.8405del on transcript NM_000059.4 (MANE Select); coding-DNA position 8405, one base deleted (C; older notation c.8405delC).
Protein change: p.Pro2802fs; shifts the reading frame from proline 2802.
Molecular consequence: frameshift variant.
Genome position (GRCh38, 1-based): chr13:32,370,475, C deleted; the last of 2 consecutive C bases (chr13:32,370,474-32,370,475); deleting either gives the same sequence. VCF-style (leftmost placement, unchanged base first): chr13-32370473-TC-T. GRCh37 (hg19) VCF-style: chr13-32944610-TC-T.
Other names: c.8309delC, p.Pro2770Leufs (NM_001406719.1); c.8405delC, p.Pro2802Leufs (NM_001406720.1); c.3473delC, p.Pro1158Leufs (NM_001406721.1); c.1988delC, p.Pro663Leufs (NM_001406722.1); short protein forms P2802fs.
Identifiers: ClinVar variation 1763261 (VCV001763261.7), dbSNP rs2548550068, ClinGen allele CA2580087364.
Genomic context (GRCh38, chr13:32,370,473, plus strand): 5'-CAGTACTCGGCCTGCTCGCTGGTATACCAAACTTGGATTCTTTCCTGACCCTAGACCTTT[TC>T]CTCTGCCCTTATCATCGCTTTTCAGTGATGGAGGAAATGTTGGTTGTGTTGATGTAATTA-3'